The following is an entry in ClinVar:

NM_004589.4(SCO1):c.364+244T>C

Gene: SCO1 (synthesis of cytochrome C oxidase 1; minus strand). Cytogenetic location: 17p13.1.
Variant type: single nucleotide variant.
Coding change: c.364+244T>C on transcript NM_004589.4 (MANE Select); 244 bases into the intron after coding-DNA position 364, T replaced by C.
Molecular consequence: intron variant.
Genome position (GRCh38, 1-based): chr17:10,695,497, A>G on the plus strand (T>C on the coding strand, the complement: SCO1 is on the minus strand). VCF-style: chr17-10695497-A-G. GRCh37 (hg19) VCF-style: chr17-10598814-A-G.
Identifiers: ClinVar variation 674174 (VCV000674174.2), dbSNP rs74901476, ClinGen allele CA287785729.

ClinVar aggregate classification (germline): Benign. Review status: criteria provided, multiple submitters, no conflicts (2 of 4 stars). 2 submissions from 2 submitters: Benign (2). Last evaluated 2018-06-19.

Allele frequency attached by ClinVar (database versions not stated): gnomAD exomes 0.00229; gnomAD 0.01599 and 0.01731; 1000 Genomes Project 0.01817; TOPMed 0.01951; 1000 Genomes Project 30x 0.01952.

Submissions (2):

GeneDx
Classification: Benign. Last evaluated: 2018-06-19. Review status: criteria provided, single submitter. Criteria: GeneDx Variant Classification (06012015). Collection method: clinical testing. Allele origin: germline. Affected: yes.
Comment: This variant is considered likely benign or benign based on one or more of the following criteria: it is a conservative change, it occurs at a poorly conserved position in the protein, it is predicted to be benign by multiple in silico algorithms, and/or has population frequency not consistent with disease.

Breakthrough Genomics
Classification: Benign. Review status: criteria provided, single submitter. Criteria: ACMG Guidelines, 2015. Collection method: not provided. Allele origin: germline. Inheritance: Autosomal recessive inheritance. Affected: yes.